The following is an entry in ClinVar:

NM_000169.3(GLA):c.1166C>T (p.Pro389Leu)

Genes: GLA (galactosidase alpha; minus strand), RPL36A-HNRNPH2 (RPL36A-HNRNPH2 readthrough; plus strand). Cytogenetic location: Xq22.1.
Variant type: single nucleotide variant.
Coding change: c.1166C>T on transcript NM_000169.3 (MANE Select); coding-DNA position 1166, C replaced by T.
Protein change: p.Pro389Leu; replaces proline 389 with leucine.
Molecular consequence: missense variant. On other transcripts: non-coding transcript variant (3), intron variant (2).
Genome position (GRCh38, 1-based): chrX:101,397,933, G>A on the plus strand (C>T on the coding strand, the complement: GLA is on the minus strand). VCF-style: chrX-101397933-G-A. GRCh37 (hg19) VCF-style: chrX-100652921-G-A.
Other names: c.1289C>T, p.Pro430Leu (NM_001406747.1); c.300+2476G>A (NM_001199973.2); c.177+6111G>A (NM_001199974.2); short protein forms P389L, P430L.
Identifiers: ClinVar variation 2440474 (VCV002440474.5), dbSNP rs2520850221, ClinGen allele CA413919970.
Genomic context (GRCh38, chrX:101,397,933, plus strand): 5'-GGATTTATGTGACTTCTTAACCTTGAAGTCCATTCATAGAACCCTAGCTTCCTTTTCACA[G>A]GGAGGAGCTGTGTGATGAAGCAGGCAGGATTACAGGCCACTCCTTTACCCAGGGAAGCAA-3'
Protein context (NP_000160.1, residues 379-399): NPACFITQLL[Pro389Leu]VKRKLGFYEW

ClinVar aggregate classification (germline): Pathogenic/Likely pathogenic. Review status: criteria provided, multiple submitters, no conflicts (2 of 4 stars). 2 submissions from 2 submitters: Pathogenic (1); Likely pathogenic (1). Last evaluated 2026-09-08.

Conditions:
Fabry disease. Also called: Ceramide trihexosidosis; Fabry's disease; ALPHA-GALACTOSIDASE A DEFICIENCY; ANDERSON-FABRY DISEASE; CERAMIDE TRIHEXOSIDASE DEFICIENCY; GLA DEFICIENCY. Identifiers: Orphanet 324, MedGen C0002986, MONDO:0010526, OMIM 301500, HP:0001071. Disease mechanism: Fabry disease is due to inactivating mutations in the X-linked GLA gene resulting in deficiency of the enzyme Alpha Galactosidase-A., loss of function.

Submissions (2):

Genomenon, Inc
Classification: Pathogenic for Fabry disease. Last evaluated: 2026-09-08. Review status: criteria provided, single submitter. Criteria: Genomenon Sequence Variant Interpretation Standards - Updated. Collection method: curation. Allele origin: germline. Affected: yes.
Comment: GLA p.Pro389Leu (c.1166C>T) is a missense variant that changes the amino acid at codon 389 from Proline to Leucine. This variant has been observed in at least one proband with clinical features consistent with Fabry disease (PMID:36140787;31770509). The variant was found to segregate with disease in at least one affected family (PMID:36140787). At least one functional study has demonstrated a substantial alteration in protein function relative to the wild-type (PMID:32023956;27657681;23935525). It is absent or not present at a significant frequency in gnomAD. In silico models predict that this variant is possibly or probably damaging. In conclusion, we classify GLA p.Pro389Leu (c.1166C>T) as a pathogenic variant.

Revvity Omics, Revvity
Classification: Likely pathogenic. Last evaluated: 2025-07-30. Review status: criteria provided, single submitter. Criteria: ACMG Guidelines, 2015. Collection method: clinical testing. Allele origin: germline.

Literature cited by the submitters: PubMed 36140787 (cited by Genomenon, Inc); PubMed 31770509 (cited by Genomenon, Inc); PubMed 32023956 (cited by Genomenon, Inc); PubMed 27657681 (cited by Genomenon, Inc); PubMed 23935525 (cited by Genomenon, Inc).